The following is an entry in ClinVar:

ClinVar aggregate classification (germline): Benign (1 of 4 stars; one submission).

Allele frequency attached by ClinVar (database versions not stated): gnomAD 0.21567 and 0.22079; TOPMed 0.24149; 1000 Genomes Project 30x 0.31293; 1000 Genomes Project 0.31709.
gnomAD v4.1: 33,470 of 151,946 alleles (22%); highest among the groups gnomAD compares: East Asian, 53%; 4,351 homozygotes.

Submission:

GeneDx
Classification: Benign. Last evaluated: 2018-06-16. Review status: criteria provided, single submitter. Criteria: GeneDx Variant Classification (06012015). Collection method: clinical testing. Allele origin: germline. Affected: yes.
Comment: This variant is considered likely benign or benign based on one or more of the following criteria: it is a conservative change, it occurs at a poorly conserved position in the protein, it is predicted to be benign by multiple in silico algorithms, and/or has population frequency not consistent with disease.

NM_001048166.1(STIL):c.453+290A>G

Gene: STIL (STIL centriolar assembly protein; minus strand). Cytogenetic location: 1p33.
Variant type: single nucleotide variant.
Coding change: c.453+290A>G on transcript NM_001048166.1 (MANE Select); 290 bases into the intron after coding-DNA position 453, A replaced by G.
Molecular consequence: intron variant.
Genome position (GRCh38, 1-based): chr1:47,301,271, T>C on the plus strand (A>G on the coding strand, the complement: STIL is on the minus strand). VCF-style: chr1-47301271-T-C. GRCh37 (hg19) VCF-style: chr1-47766943-T-C.
Other names: c.453+290A>G (NM_003035.2, NM_001282939.1, NM_001282938.1 and 2 more transcripts).
Identifiers: ClinVar variation 667532 (VCV000667532.1), dbSNP rs6697248, ClinGen allele CA10724315.